The following is an entry in ClinVar:

NM_006231.4(POLE):c.5992A>T (p.Met1998Leu)

Gene: POLE (DNA polymerase epsilon, catalytic subunit; minus strand). Cytogenetic location: 12q24.33.
Variant type: single nucleotide variant.
Coding change: c.5992A>T on transcript NM_006231.4 (MANE Select); coding-DNA position 5992, A replaced by T.
Protein change: p.Met1998Leu; replaces methionine 1998 with leucine.
Molecular consequence: missense variant.
Genome position (GRCh38, 1-based): chr12:132,634,198, T>A on the plus strand (A>T on the coding strand, the complement: POLE is on the minus strand). VCF-style: chr12-132634198-T-A. GRCh37 (hg19) VCF-style: chr12-133210784-T-A.
Other names: short protein forms M1998L.
Identifiers: ClinVar variation 1750913 (VCV001750913.2), dbSNP rs2138473140, ClinGen allele CA387371425.

ClinVar aggregate classification (germline): Uncertain significance (1 of 4 stars; one submission).

Conditions:
Hereditary cancer-predisposing syndrome. Also called: Hereditary Cancer Syndrome; Hereditary neoplastic syndrome; Neoplastic Syndromes, Hereditary; Tumor predisposition. Identifiers: Orphanet 140162, MedGen C0027672, MeSH D009386, MONDO:0015356.

Submission:

Ambry Genetics
Classification: Uncertain significance for Hereditary cancer-predisposing syndrome. Last evaluated: 2021-12-11. Review status: criteria provided, single submitter. Criteria: Ambry Variant Classification Scheme 2023. Collection method: clinical testing. Allele origin: germline.
Comment: The p.M1998L variant (also known as c.5992A>T), located in coding exon 43 of the POLE gene, results from an A to T substitution at nucleotide position 5992. The methionine at codon 1998 is replaced by leucine, an amino acid with highly similar properties. This amino acid position is conserved. In addition, the in silico prediction for this alteration is inconclusive. Since supporting evidence is limited at this time, the clinical significance of this alteration remains unclear.